The following is an entry in ClinVar:

NM_001903.5(CTNNA1):c.2192+1G>A

Gene: CTNNA1 (catenin alpha 1; plus strand). Cytogenetic location: 5q31.2.
Variant type: single nucleotide variant.
Coding change: c.2192+1G>A on transcript NM_001903.5 (MANE Select); the canonical splice donor site of the intron after coding-DNA position 2192, G replaced by A.
Molecular consequence: splice donor variant.
Genome position (GRCh38, 1-based): chr5:138,930,655, G>A. VCF-style: chr5-138930655-G-A. GRCh37 (hg19) VCF-style: chr5-138266344-G-A.
Other names: c.743+1G>A (NM_001324010.1, NM_001324007.1, NM_001324009.1 and 2 more transcripts); c.2192+1G>A (NM_001323982.2, NM_001323984.2, NM_001290307.3 and 2 more transcripts); c.2099+1G>A (NM_001323986.2); c.1823+1G>A (NM_001290310.3); c.1883+1G>A (NM_001290309.3); c.1082+1G>A (NM_001323996.1, NM_001323993.1, NM_001324005.1 and 17 more transcripts); c.839+1G>A (NM_001324013.1, NM_001324012.1); c.989+1G>A (NM_001324011.1).
Identifiers: ClinVar variation 2963000 (VCV002963000.3), dbSNP rs112478925, ClinGen allele CA128222088.

ClinVar aggregate classification (germline): Likely pathogenic (1 of 4 stars; one submission).

Allele frequency attached by ClinVar (database versions not stated): gnomAD exomes below 0.00001.
gnomAD v4.1: 2 of 1,611,006 alleles (0.00012%); highest among the groups gnomAD compares: Non-Finnish European, 0.00017%; no homozygotes.

Submission:

Labcorp Genetics (formerly Invitae), Labcorp
Classification: Likely pathogenic. Last evaluated: 2023-06-13. Review status: criteria provided, single submitter. Criteria: Invitae Variant Classification Sherloc (09022015). Collection method: clinical testing. Allele origin: germline.
Comment: In summary, the currently available evidence indicates that the variant is pathogenic, but additional data are needed to prove that conclusively. Therefore, this variant has been classified as Likely Pathogenic. Algorithms developed to predict the effect of sequence changes on RNA splicing suggest that this variant may disrupt the consensus splice site. This variant has not been reported in the literature in individuals affected with CTNNA1-related conditions. This variant is not present in population databases (gnomAD no frequency). This sequence change affects a donor splice site in intron 15 of the CTNNA1 gene. It is expected to disrupt RNA splicing. Variants that disrupt the donor or acceptor splice site typically lead to a loss of protein function (PMID: 16199547), and loss-of-function variants in CTNNA1 are known to be pathogenic (PMID: 32051609, 34425242).

Literature cited by the submitters: PubMed 16199547; PubMed 32051609; PubMed 34425242.